The following is an entry in ClinVar:

NM_004329.3(BMPR1A):c.286T>A (p.Leu96Ile)

Gene: BMPR1A (bone morphogenetic protein receptor type 1A; plus strand). Cytogenetic location: 10q23.2.
Variant type: single nucleotide variant.
Coding change: c.286T>A on transcript NM_004329.3 (MANE Select); coding-DNA position 286, T replaced by A.
Protein change: p.Leu96Ile; replaces leucine 96 with isoleucine.
Molecular consequence: missense variant.
Genome position (GRCh38, 1-based): chr10:86,892,182, T>A. VCF-style: chr10-86892182-T-A. GRCh37 (hg19) VCF-style: chr10-88651939-T-A.
Other names: short protein forms L96I.
Identifiers: ClinVar variation 966000 (VCV000966000.10), dbSNP rs1554888320, ClinGen allele CA377448118.

ClinVar aggregate classification (germline): Uncertain significance (1 of 4 stars; one submission).

Conditions:
Juvenile polyposis syndrome (JPS). Identifiers: Orphanet 2929, MedGen C0345893, MONDO:0017380, OMIM 174900.

Submission:

Labcorp Genetics (formerly Invitae), Labcorp
Classification: Uncertain significance for Juvenile polyposis syndrome. Last evaluated: 2019-10-28. Review status: criteria provided, single submitter. Criteria: Invitae Variant Classification Sherloc (09022015). Collection method: clinical testing. Allele origin: germline.
Comment: This sequence change replaces leucine with isoleucine at codon 96 of the BMPR1A protein (p.Leu96Ile). The leucine residue is moderately conserved and there is a small physicochemical difference between leucine and isoleucine. This variant is not present in population databases (ExAC no frequency). This variant has not been reported in the literature in individuals with BMPR1A-related conditions. Algorithms developed to predict the effect of missense changes on protein structure and function are either unavailable or do not agree on the potential impact of this missense change (SIFT: "Tolerated"; PolyPhen-2: "Possibly Damaging"; Align-GVGD: "Class C0"). In summary, the available evidence is currently insufficient to determine the role of this variant in disease. Therefore, it has been classified as a Variant of Uncertain Significance.